The following is an entry in ClinVar:

ClinVar aggregate classification (germline): Benign. Review status: criteria provided, multiple submitters, no conflicts (2 of 4 stars). 4 submissions from 4 submitters: Benign (4). Last evaluated 2024-07-15.

Conditions:
Autosomal recessive Alport syndrome (ATS2). Also called: COL4A4 Alport Syndrome and Thin Basement Membrane Nephropathy; COL4A3-Related Nephropathy; Alport syndrome type 2; ALPORT SYNDROME 2, AUTOSOMAL RECESSIVE. Identifiers: Orphanet 63, Orphanet 88919, MedGen C4746745, MONDO:0008762, OMIM 203780.

Allele frequency attached by ClinVar (database versions not stated): 1000 Genomes Project 30x 0.26499; 1000 Genomes Project 0.26897; TOPMed 0.27068; gnomAD 0.27813 and 0.28518; gnomAD exomes 0.36489.
gnomAD v4.1: 448,446 of 1,264,998 alleles (35%); highest among the groups gnomAD compares: South Asian, 46%; 83,383 homozygotes.

Submissions (4):

Unidad de Genómica Garrahan, Hospital de Pediatría Garrahan
Classification: Benign. Last evaluated: 2024-07-15. Review status: criteria provided, single submitter. Criteria: ACMG Guidelines, 2015. Collection method: clinical testing. Allele origin: germline. Affected: no. Observed: 38 variant alleles.
Comment: This variant is classified as Benign based on local population frequency. This variant was detected in 41% of patients studied in a panel designed for Epileptic and Developmental Encephalopathy and Progressive Myoclonus Epilepsy. Number of patients: 38. Only high quality variants are reported.

Genome-Nilou Lab
Classification: Benign for Autosomal recessive Alport syndrome. Last evaluated: 2021-06-10. Review status: criteria provided, single submitter. Criteria: ACMG Guidelines, 2015. Collection method: clinical testing. Allele origin: germline. Affected: no.

GeneDx
Classification: Benign. Last evaluated: 2018-06-24. Review status: criteria provided, single submitter. Criteria: GeneDx Variant Classification Process June 2021. Collection method: clinical testing. Allele origin: germline. Affected: yes.

Breakthrough Genomics
Classification: Benign. Review status: criteria provided, single submitter. Criteria: ACMG Guidelines, 2015. Collection method: not provided. Allele origin: germline. Inheritance: Autosomal recessive inheritance. Affected: yes.

NM_000091.5(COL4A3):c.4154-69C>T

Genes: MFF-DT (MFF divergent transcript; minus strand), COL4A3 (collagen type IV alpha 3 chain; plus strand). Cytogenetic location: 2q36.3.
Variant type: single nucleotide variant.
Coding change: c.4154-69C>T on transcript NM_000091.5 (MANE Select); 69 bases into the intron before coding-DNA position 4154, C replaced by T.
Molecular consequence: intron variant.
Genome position (GRCh38, 1-based): chr2:227,304,916, C>T. VCF-style: chr2-227304916-C-T. GRCh37 (hg19) VCF-style: chr2-228169632-C-T.
Identifiers: ClinVar variation 1172993 (VCV001172993.7), dbSNP rs11680670, ClinGen allele CA16129037.